The following is an entry in ClinVar:

ClinVar aggregate classification (germline): Uncertain significance (1 of 4 stars; one submission).

Conditions:
Severe combined immunodeficiency due to DNA-PKcs deficiency. Also called: IMMUNODEFICIENCY 26 WITH NEUROLOGIC ABNORMALITIES; Immunodeficiency 26 with or without neurologic abnormalities. Identifiers: Orphanet 317425, MedGen C4014833, MONDO:0014423, OMIM 615966.

Submission:

Labcorp Genetics (formerly Invitae), Labcorp
Classification: Uncertain significance for Severe combined immunodeficiency due to DNA-PKcs deficiency. Last evaluated: 2019-04-16. Review status: criteria provided, single submitter. Criteria: Invitae Variant Classification Sherloc (09022015). Collection method: clinical testing. Allele origin: germline.
Comment: Algorithms developed to predict the effect of missense changes on protein structure and function are either unavailable or do not agree on the potential impact of this missense change (SIFT: "Deleterious"; PolyPhen-2: "Not Available"; Align-GVGD: "Class C0"). In summary, the available evidence is currently insufficient to determine the role of this variant in disease. Therefore, it has been classified as a Variant of Uncertain Significance. This variant has not been reported in the literature in individuals with PRKDC-related conditions. This variant is not present in population databases (ExAC no frequency). This sequence change replaces glutamine with proline at codon 990 of the PRKDC protein (p.Gln990Pro). The glutamine residue is moderately conserved and there is a moderate physicochemical difference between glutamine and proline.

NM_006904.7(PRKDC):c.2969A>C (p.Gln990Pro)

Gene: PRKDC (protein kinase, DNA-activated, catalytic subunit; minus strand). Cytogenetic location: 8q11.21.
Variant type: single nucleotide variant.
Coding change: c.2969A>C on transcript NM_006904.7 (MANE Select); coding-DNA position 2969, A replaced by C.
Protein change: p.Gln990Pro; replaces glutamine 990 with proline.
Molecular consequence: missense variant.
Genome position (GRCh38, 1-based): chr8:47,904,942, T>G on the plus strand (A>C on the coding strand, the complement: PRKDC is on the minus strand). VCF-style: chr8-47904942-T-G. GRCh37 (hg19) VCF-style: chr8-48817502-T-G.
Other names: c.2969A>C, p.Gln990Pro (NM_001081640.2); short protein forms Q990P.
Identifiers: ClinVar variation 836513 (VCV000836513.8), dbSNP rs2089747877, ClinGen allele CA371157516.